The following is an entry in ClinVar:

ClinVar aggregate classification (germline): Uncertain significance (1 of 4 stars; one submission).

Conditions:
Neuropathy, hereditary sensory and autonomic, type 2A (HSAN2A). Also called: WNK1-Related HSAN2 (HSAN2A); MORVAN DISEASE; NEUROPATHY, CONGENITAL SENSORY; NEUROPATHY, HEREDITARY SENSORY RADICULAR, AUTOSOMAL RECESSIVE; NEUROPATHY, HEREDITARY SENSORY, TYPE IIA; NEUROPATHY, PROGRESSIVE SENSORY, OF CHILDREN. Identifiers: Orphanet 970, MedGen C2752089, MONDO:0024309, OMIM 201300.
Generalized epilepsy with febrile seizures plus, type 7 (GEFSP7). Also called: GEFS+, TYPE 7. Identifiers: Orphanet 36387, MedGen C2751778, MONDO:0013470, OMIM 613863.

Allele frequency attached by ClinVar (database versions not stated): gnomAD exomes 0.00001 and 0.00002; ExAC 0.00004.
gnomAD v4.1: 12 of 1,613,174 alleles (0.00074%); highest among the groups gnomAD compares: Middle Eastern, 0.017%; no homozygotes.

Submission:

Labcorp Genetics (formerly Invitae), Labcorp
Classification: Uncertain significance for Neuropathy, hereditary sensory and autonomic, type 2A; Generalized epilepsy with febrile seizures plus, type 7. Last evaluated: 2022-08-22. Review status: criteria provided, single submitter. Criteria: Invitae Variant Classification Sherloc (09022015). Collection method: clinical testing. Allele origin: germline.
Comment: This sequence change replaces leucine, which is neutral and non-polar, with phenylalanine, which is neutral and non-polar, at codon 1074 of the SCN9A protein (p.Leu1074Phe). This variant is present in population databases (rs761185337, gnomAD 0.005%). This variant has not been reported in the literature in individuals affected with SCN9A-related conditions. ClinVar contains an entry for this variant (Variation ID: 1042652). Algorithms developed to predict the effect of missense changes on protein structure and function are either unavailable or do not agree on the potential impact of this missense change (SIFT: "Tolerated"; PolyPhen-2: "Probably Damaging"; Align-GVGD: "Class C0"). In summary, the available evidence is currently insufficient to determine the role of this variant in disease. Therefore, it has been classified as a Variant of Uncertain Significance.

NM_001365536.1(SCN9A):c.3253C>T (p.Leu1085Phe)

Genes: SCN9A (sodium voltage-gated channel alpha subunit 9; minus strand), SCN1A-AS1 (SCN1A and SCN9A antisense RNA 1; plus strand). Cytogenetic location: 2q24.3.
Variant type: single nucleotide variant.
Coding change: c.3253C>T on transcript NM_001365536.1 (MANE Select); coding-DNA position 3253, C replaced by T.
Protein change: p.Leu1085Phe; replaces leucine 1085 with phenylalanine.
Molecular consequence: missense variant.
Genome position (GRCh38, 1-based): chr2:166,272,497, G>A on the plus strand (C>T on the coding strand, the complement: SCN9A is on the minus strand). VCF-style: chr2-166272497-G-A. GRCh37 (hg19) VCF-style: chr2-167129007-G-A.
Other names: c.3220C>T, p.Leu1074Phe (NM_002977.4); short protein forms L1085F, L1074F.
Identifiers: ClinVar variation 1042652 (VCV001042652.9), dbSNP rs761185337, ClinGen allele CA1944112.